The following is an entry in ClinVar:

NM_172245.4(CSF2RA):c.358G>A (p.Ala120Thr)

Gene: CSF2RA (colony stimulating factor 2 receptor subunit alpha; plus strand). Cytogenetic location: Xp22.33.
Variant type: single nucleotide variant.
Coding change: c.358G>A on transcript NM_172245.4 (MANE Select); coding-DNA position 358, G replaced by A.
Protein change: p.Ala120Thr; replaces alanine 120 with threonine.
Molecular consequence: missense variant. On other transcripts: 5 prime UTR variant (1), non-coding transcript variant (1).
Genome position (GRCh38, 1-based): chrX:1,288,773, G>A. VCF-style: chrX-1288773-G-A. GRCh37 (hg19) VCF-style: chrX-1407666-G-A.
Other names: c.358G>A, p.Ala120Thr (NM_001161529.2, NM_001161530.2, NM_001161531.2 and 20 more transcripts); c.-42G>A (NM_001161532.2); short protein forms A120T.
Identifiers: ClinVar variation 945832 (VCV000945832.5), dbSNP rs148928173, ClinGen allele CA10330783.
Genomic context (GRCh38, chrX:1,288,773, plus strand): 5'-CGTTGAACTTCGGAGTGAAAATTATTTTGTTTCTACCTCTTCCCAGGAAGGGAGGGTACC[G>A]CTGCTCAGAATTTCTCCTGTTTCATCTACAATGCGGATTTAATGAACTGTACCTGGGCGA-3'
Protein context (NP_758448.1, residues 110-130): LYPNSGREGT[Ala120Thr]AQNFSCFIYN

ClinVar aggregate classification (germline): Uncertain significance (1 of 4 stars; one submission).

Conditions:
Surfactant metabolism dysfunction, pulmonary, 4 (SMDP4). Also called: PAP DUE TO CSF2RA DEFICIENCY; CSF2RA DEFICIENCY; PULMONARY ALVEOLAR PROTEINOSIS, CONGENITAL, 4. Identifiers: Orphanet 264675, MedGen C2677877, MONDO:0010424, OMIM 300770.

Allele frequency attached by ClinVar (database versions not stated): TOPMed 0.00004; ESP Exome Variant Server 0.00008.
gnomAD v4.1: 84 of 1,613,760 alleles (0.0052%); highest among the groups gnomAD compares: Non-Finnish European, 0.0064%; no homozygotes.

Submission:

Labcorp Genetics (formerly Invitae), Labcorp
Classification: Uncertain significance for Surfactant metabolism dysfunction, pulmonary, 4. Last evaluated: 2022-10-24. Review status: criteria provided, single submitter. Criteria: Invitae Variant Classification Sherloc (09022015). Collection method: clinical testing. Allele origin: germline.
Comment: This sequence change replaces alanine, which is neutral and non-polar, with threonine, which is neutral and polar, at codon 120 of the CSF2RA protein (p.Ala120Thr). This variant is present in population databases (no rsID available, gnomAD 0.006%). This variant has not been reported in the literature in individuals affected with CSF2RA-related conditions. ClinVar contains an entry for this variant (Variation ID: 945832). Advanced modeling of protein sequence and biophysical properties (such as structural, functional, and spatial information, amino acid conservation, physicochemical variation, residue mobility, and thermodynamic stability) has been performed at Invitae for this missense variant, however the output from this modeling did not meet the statistical confidence thresholds required to predict the impact of this variant on CSF2RA protein function. In summary, the available evidence is currently insufficient to determine the role of this variant in disease. Therefore, it has been classified as a Variant of Uncertain Significance.